The following is an entry in ClinVar:

ClinVar aggregate classification (germline): Uncertain significance (1 of 4 stars; one submission).

gnomAD v4.1: 2 of 1,602,026 alleles (0.00012%); highest among the groups gnomAD compares: Non-Finnish European, 0.00017%; no homozygotes.

Submission:

Labcorp Genetics (formerly Invitae), Labcorp
Classification: Uncertain significance. Last evaluated: 2025-08-17. Review status: criteria provided, single submitter. Criteria: Invitae Variant Classification Sherloc (09022015). Collection method: clinical testing. Allele origin: germline.
Comment: This sequence change replaces glycine, which is neutral and non-polar, with aspartic acid, which is acidic and polar, at codon 78 of the TSPYL1 protein (p.Gly78Asp). This variant is not present in population databases (gnomAD no frequency). This variant has not been reported in the literature in individuals affected with TSPYL1-related conditions. An algorithm developed to predict the effect of missense changes on protein structure and function outputs the following: PolyPhen-2: "Benign". The aspartic acid amino acid residue is found in multiple mammalian species, which suggests that this missense change does not adversely affect protein function. In summary, the available evidence is currently insufficient to determine the role of this variant in disease. Therefore, it has been classified as a Variant of Uncertain Significance.

NM_003309.4(TSPYL1):c.233G>A (p.Gly78Asp)

Genes: DSE (dermatan sulfate epimerase; plus strand), TSPYL1 (TSPY like 1; minus strand), LOC129997035 (ATAC-STARR-seq lymphoblastoid active region 24984; plus strand). Cytogenetic location: 6q22.1.
Variant type: single nucleotide variant.
Coding change: c.233G>A on transcript NM_003309.4 (MANE Select); coding-DNA position 233, G replaced by A.
Protein change: p.Gly78Asp; replaces glycine 78 with aspartic acid.
Molecular consequence: missense variant. On other transcripts: intron variant (6).
Genome position (GRCh38, 1-based): chr6:116,279,598, C>T on the plus strand (G>A on the coding strand, the complement: TSPYL1 is on the minus strand). VCF-style: chr6-116279598-C-T. GRCh37 (hg19) VCF-style: chr6-116600761-C-T.
Other names: c.-954+20631C>T (NM_001374520.1); c.-54+20631C>T (NM_001322937.2, NM_001322938.2, NM_001374522.1); c.-641+20631C>T (NM_001374521.1); c.-611+20631C>T (NM_001322940.2); short protein forms G78D.
Identifiers: ClinVar variation 4725151 (VCV004725151.1).